The following is an entry in ClinVar:

NM_001267550.2(TTN):c.57998_57999del (p.Lys19333fs)

Genes: TTN (titin; minus strand), TTN-AS1 (TTN antisense RNA 1; plus strand). Cytogenetic location: 2q31.2.
Variant type: Deletion.
Coding change: c.57998_57999del on transcript NM_001267550.2 (MANE Select); coding-DNA positions 57998 to 57999, 2 bases deleted (AA; older notation c.57998_57999delAA).
Protein change: p.Lys19333fs; shifts the reading frame from lysine 19333.
Molecular consequence: frameshift variant.
Genome position (GRCh38, 1-based): chr2:178,594,495-178,594,496, TT deleted on the plus strand (AA on the coding strand, the reverse complement: TTN is on the minus strand); deleting any 2 consecutive bases within chr2:178,594,495-178,594,497 gives the same sequence; the c. name uses the placement nearest the transcript's 3' end. VCF-style (leftmost placement, unchanged base first): chr2-178594494-CTT-C. GRCh37 (hg19) VCF-style: chr2-179459221-CTT-C.
Other names: c.53075_53076del, p.Lys17692fs (NM_001256850.1); c.30803_30804del, p.Lys10268fs (NM_003319.4); c.50294_50295del, p.Lys16765fs (NM_133378.4); c.31178_31179del, p.Lys10393fs (NM_133432.3); c.31379_31380del, p.Lys10460fs (NM_133437.4); short protein forms K10268fs, K10393fs, K10460fs, K16765fs, K17692fs, K19333fs.
Identifiers: ClinVar variation 2574054 (VCV002574054.1), dbSNP rs2469634017, ClinGen allele CA2697551408.

ClinVar aggregate classification (germline): Likely pathogenic (0 of 4 stars; one submission).

Conditions:
Dilated cardiomyopathy 1G (CMD1G). Identifiers: Orphanet 154, MedGen C1858763, MONDO:0011400, OMIM 604145.

Submission:

deCODE genetics, Amgen
Classification: Likely pathogenic for Dilated cardiomyopathy 1G. Last evaluated: 2023-07-21. Review status: no assertion criteria provided. Collection method: research. Allele origin: germline. Affected: yes. Observed: 1 variant allele.
Comment: The variant NM_001267550.2:c.57998_57999del (chr2:178594494) in TTN was detected in 1 heterozygote out of 58K WGS Icelanders (MAF= 0,001%). This variant has not been reported in ClinVar previously. Based on ACMG criteria (PVS1, PM2) this variant classifies as likely pathogenic.